The following is an entry in ClinVar:

NM_001375567.1(FOCAD):c.4378-6T>C

Gene: FOCAD (focadhesin; plus strand). Cytogenetic location: 9p21.3.
Variant type: single nucleotide variant.
Coding change: c.4378-6T>C on transcript NM_001375567.1 (MANE Select); 6 bases into the intron before coding-DNA position 4378, T replaced by C.
Molecular consequence: intron variant.
Genome position (GRCh38, 1-based): chr9:20,981,420, T>C. VCF-style: chr9-20981420-T-C. GRCh37 (hg19) VCF-style: chr9-20981419-T-C.
Other names: c.4378-6T>C (NM_017794.5); c.4273-6T>C (NM_001375568.1, NM_001375570.1).
Identifiers: ClinVar variation 2772822 (VCV002772822.3), dbSNP rs1358945273, ClinGen allele CA862069603.

ClinVar aggregate classification (germline): Uncertain significance (1 of 4 stars; one submission).

Allele frequency attached by ClinVar (database versions not stated): gnomAD exomes below 0.00001; TOPMed below 0.00001.
gnomAD v4.1: 1 of 1,613,542 alleles (0.000062%); highest among the groups gnomAD compares: Non-Finnish European, 0.000085%; no homozygotes.

Submission:

Labcorp Genetics (formerly Invitae), Labcorp
Classification: Uncertain significance. Last evaluated: 2024-01-23. Review status: criteria provided, single submitter. Criteria: Invitae Variant Classification Sherloc (09022015). Collection method: clinical testing. Allele origin: germline.
Comment: This sequence change falls in intron 39 of the FOCAD gene. It does not directly change the encoded amino acid sequence of the FOCAD protein. This variant is not present in population databases (gnomAD no frequency). This variant has not been reported in the literature in individuals affected with FOCAD-related conditions. Experimental studies and prediction algorithms are not available or were not evaluated, and the effect of this variant on mRNA splicing is currently unknown. In summary, the available evidence is currently insufficient to determine the role of this variant in disease. Therefore, it has been classified as a Variant of Uncertain Significance.